The following is an entry in ClinVar:

ClinVar aggregate classification (germline): Uncertain significance (1 of 4 stars; one submission).

Conditions:
Parathyroid carcinoma (PRTC). Also called: Parathyroid gland carcinoma; CDC73-Related Parathyroid Carcinoma. Identifiers: Orphanet 143, MedGen C0687150, MONDO:0012004, OMIM 608266, HP:0006780.

Submission:

Labcorp Genetics (formerly Invitae), Labcorp
Classification: Uncertain significance for Parathyroid carcinoma. Last evaluated: 2021-02-03. Review status: criteria provided, single submitter. Criteria: Invitae Variant Classification Sherloc (09022015). Collection method: clinical testing. Allele origin: germline.
Comment: This sequence change replaces glutamic acid with lysine at codon 391 of the CDC73 protein (p.Glu391Lys). The glutamic acid residue is moderately conserved and there is a small physicochemical difference between glutamic acid and lysine. This variant is not present in population databases (ExAC no frequency). This variant has not been reported in the literature in individuals with CDC73-related conditions. Algorithms developed to predict the effect of missense changes on protein structure and function are either unavailable or do not agree on the potential impact of this missense change (SIFT: "Tolerated"; PolyPhen-2: "Possibly Damaging"; Align-GVGD: "Class C0"). In summary, the available evidence is currently insufficient to determine the role of this variant in disease. Therefore, it has been classified as a Variant of Uncertain Significance.

NM_024529.5(CDC73):c.1171G>A (p.Glu391Lys)

Gene: CDC73 (cell division cycle 73; plus strand). Cytogenetic location: 1q31.2.
Variant type: single nucleotide variant.
Coding change: c.1171G>A on transcript NM_024529.5 (MANE Select); coding-DNA position 1171, G replaced by A.
Protein change: p.Glu391Lys; replaces glutamic acid 391 with lysine.
Molecular consequence: missense variant.
Genome position (GRCh38, 1-based): chr1:193,233,009, G>A. VCF-style: chr1-193233009-G-A. GRCh37 (hg19) VCF-style: chr1-193202139-G-A.
Other names: short protein forms E391K.
Identifiers: ClinVar variation 1361771 (VCV001361771.8), dbSNP rs2102058252, ClinGen allele CA344077741.
Genomic context (GRCh38, chr1:193,233,009, plus strand): 5'-CACGTGGAATACATTGACTTTTTCTCATCTCTGTTTTTTCAAAGATTTGTCCCATCAGAT[G>A]AAAAGAAGAAACAAGGTTGTCAACGAGAAAATGAAACTCTAATACAAAGAAGAAAAGACC-3'
Protein context (NP_078805.3, residues 381-401): LQDLKFVPSD[Glu391Lys]KKKQGCQREN